The following is an entry in ClinVar:

ClinVar aggregate classification (germline): Uncertain significance (1 of 4 stars; one submission).

Submission:

Labcorp Genetics (formerly Invitae), Labcorp
Classification: Uncertain significance. Last evaluated: 2024-06-03. Review status: criteria provided, single submitter. Criteria: Invitae Variant Classification Sherloc (09022015). Collection method: clinical testing. Allele origin: germline.
Comment: This variant, c.2945_2962del, results in the deletion of 6 amino acid(s) of the BRD4 protein (p.Pro982_Gln987del), but otherwise preserves the integrity of the reading frame. This variant is not present in population databases (gnomAD no frequency). This variant has not been reported in the literature in individuals affected with BRD4-related conditions. Experimental studies and prediction algorithms are not available or were not evaluated, and the functional significance of this variant is currently unknown. In summary, the available evidence is currently insufficient to determine the role of this variant in disease. Therefore, it has been classified as a Variant of Uncertain Significance.

NM_001379291.1(BRD4):c.2945_2962del (p.Pro982_Gln987del)

Gene: BRD4 (bromodomain containing 4; minus strand). Cytogenetic location: 19p13.12.
Variant type: Deletion.
Coding change: c.2945_2962del on transcript NM_001379291.1 (MANE Select); coding-DNA positions 2945 to 2962, 18 bases deleted (CCCAGCCTCCACCCCAGC).
Protein change: p.Pro982_Gln987del.
Genome position (GRCh38, 1-based): chr19:15,243,107-15,243,124, GCTGGGGTGGAGGCTGGG deleted on the plus strand (CCCAGCCTCCACCCCAGC on the coding strand, the reverse complement: BRD4 is on the minus strand); deleting any 18 consecutive bases within chr19:15,243,107-15,243,134 gives the same sequence; the c. name uses the placement nearest the transcript's 3' end. VCF-style (leftmost placement, unchanged base first): chr19-15243106-TGCTGGGGTGGAGGCTGGG-T. GRCh37 (hg19) VCF-style: chr19-15353917-TGCTGGGGTGGAGGCTGGG-T.
Other names: c.2945_2962del, p.Pro982_Gln987del (NM_058243.3).
Identifiers: ClinVar variation 3693485 (VCV003693485.2).